The following is an entry in ClinVar:

NM_053025.4(MYLK):c.5368+5G>T

Genes: MYLK (myosin light chain kinase; minus strand), MYLK-AS1 (MYLK antisense RNA 1; plus strand). Cytogenetic location: 3q21.1.
Variant type: single nucleotide variant.
Coding change: c.5368+5G>T on transcript NM_053025.4 (MANE Select); 5 bases into the intron after coding-DNA position 5368, G replaced by T.
Molecular consequence: intron variant.
Genome position (GRCh38, 1-based): chr3:123,620,202, C>A on the plus strand (G>T on the coding strand, the complement: MYLK is on the minus strand). VCF-style: chr3-123620202-C-A. GRCh37 (hg19) VCF-style: chr3-123339049-C-A.
Other names: c.4840+5G>T (NM_001321309.2); c.5008+5G>T (NM_053028.4); c.5161+5G>T (NM_053026.4); c.5215+5G>T (NM_053027.4); c.88+5G>T (NM_053031.4, NM_053032.4).
Identifiers: ClinVar variation 3401108 (VCV003401108.1).
Genomic context (GRCh38, chr3:123,620,202, plus strand): 5'-CAAAATGCCCCTTTGTTCCCCAGCCCTTTCTTTCTCACCAGCTGGCTGGAGAAACTCCTC[C>A]TTACCTTCAGATTCTAGTTTTTCTGCATTGAGCGGGCTGGTTGGTGACCCTGTTGAGGAT-3'

ClinVar aggregate classification (germline): Uncertain significance (1 of 4 stars; one submission).

Conditions:
Familial thoracic aortic aneurysm and aortic dissection (TAAD). Also called: Thoracic aortic aneurysms and dissections. Identifiers: Orphanet 91387, MedGen C4707243, MONDO:0019625.

Submission:

Ambry Genetics
Classification: Uncertain significance for Familial thoracic aortic aneurysm and aortic dissection. Last evaluated: 2024-10-28. Review status: criteria provided, single submitter. Criteria: Ambry Variant Classification Scheme 2023. Collection method: clinical testing. Allele origin: germline.
Comment: The c.5368+5G>T intronic variant results from a G to T substitution 5 nucleotides after coding exon 29 in the MYLK gene. This nucleotide position is highly conserved in available vertebrate species. In silico splice site analysis predicts that this alteration may result in the creation or strengthening of a novel splice donor site. Based on the available evidence, the clinical significance of this variant remains unclear.